The following is an entry in ClinVar:

ClinVar aggregate classification (germline): Benign/Likely benign. Review status: criteria provided, multiple submitters, no conflicts (2 of 4 stars). 5 submissions from 5 submitters: Benign (1); Likely benign (4). Last evaluated 2025-06-29.

Conditions:
Wolfram syndrome 1 (WFS1). Identifiers: Orphanet 3463, MedGen C4551693, MONDO:0009101, OMIM 222300.
Autosomal dominant nonsyndromic hearing loss 6 (LFSNHL). Also called: DEAFNESS, AUTOSOMAL DOMINANT 14; DEAFNESS, AUTOSOMAL DOMINANT 38; Autosomal dominant nonsyndromic deafness 6; DEAFNESS, AUTOSOMAL DOMINANT 6. Identifiers: Orphanet 90635, MedGen C1833021, MONDO:0010963, OMIM 600965.
Type 2 diabetes mellitus. Also called: Type II diabetes mellitus. Identifiers: MedGen C0011860, MeSH D003924, MONDO:0005148, OMIM 125853, HP:0005978.
Cataract 41 (CTRCT41). Also called: CATARACT 41, CONGENITAL NUCLEAR TYPE. Identifiers: Orphanet 91492, Orphanet 98991, Orphanet 98992, Orphanet 98995, MedGen C3805412, MONDO:0007287, OMIM 116400.
Wolfram-like syndrome. Also called: HEARING LOSS, PROGRESSIVE, WITH OPTIC ATROPHY AND/OR IMPAIRED GLUCOSE REGULATION. Identifiers: Orphanet 411590, MedGen C3280358, MONDO:0013673, OMIM 614296.

Allele frequency attached by ClinVar (database versions not stated): gnomAD exomes 0.00002 and 0.00004; ExAC 0.00006; ESP Exome Variant Server 0.00015; TOPMed 0.00017; gnomAD 0.00019 and 0.00020.
gnomAD v4.1: 56 of 1,601,306 alleles (0.0035%); highest among the groups gnomAD compares: African/African-American, 0.05%; no homozygotes.

Submissions (5):

Labcorp Genetics (formerly Invitae), Labcorp
Classification: Likely benign. Last evaluated: 2025-06-29. Review status: criteria provided, single submitter. Criteria: Invitae Variant Classification Sherloc (09022015). Collection method: clinical testing. Allele origin: germline.

Blueprint Genetics
Classification: Likely benign. Last evaluated: 2022-02-07. Review status: criteria provided, single submitter. Criteria: ACMG Guidelines, 2015. Collection method: clinical testing. Allele origin: germline.

Genetic Services Laboratory, University of Chicago
Classification: Likely benign. Last evaluated: 2021-12-14. Review status: criteria provided, single submitter. Criteria: ACMG Guidelines, 2015. Collection method: clinical testing. Allele origin: germline. Affected: no.

Fulgent Genetics
Classification: Likely benign for Cataract 41; Type 2 diabetes mellitus; Wolfram syndrome 1; Autosomal dominant nonsyndromic hearing loss 6; Wolfram-like syndrome. Last evaluated: 2021-10-08. Review status: criteria provided, single submitter. Criteria: ACMG Guidelines, 2015. Collection method: clinical testing. Allele origin: unknown.

Clinical Genomics, Uppaluri K&H Personalized Medicine Clinic
Classification: Benign for Wolfram syndrome 1. Review status: criteria provided, single submitter. Criteria: K & H Uppaluri Personalized Medicine Clinic Variant Classification & Assertion Criteria_Updated V.1. Collection method: research. Allele origin: unknown. Inheritance: Autosomal recessive inheritance.
Comment: Potent mutations in WFS1 gene are associated with Wolfram's syndrome, an autosomal recessive condition, which cause diabetes mellitus, diabetes insipidus, deafness and optic atrophy. However no sufficient evidence is found to ascertain the role of this particular variant rs369185545 in Wolfram's syndrome yet.

Literature cited by the submitters: PubMed 20738327 (cited by Clinical Genomics, Uppaluri K&H Personalized Medicine Clinic); PubMed 33879153 (cited by Clinical Genomics, Uppaluri K&H Personalized Medicine Clinic); PubMed 12955714 (cited by Clinical Genomics, Uppaluri K&H Personalized Medicine Clinic); PubMed 18060660 (cited by Clinical Genomics, Uppaluri K&H Personalized Medicine Clinic); PubMed 20301750 (cited by Clinical Genomics, Uppaluri K&H Personalized Medicine Clinic); PubMed 17603484 (cited by Clinical Genomics, Uppaluri K&H Personalized Medicine Clinic).

NM_006005.3(WFS1):c.712+8C>T

Gene: WFS1 (wolframin ER transmembrane glycoprotein; plus strand). Cytogenetic location: 4p16.1.
Variant type: single nucleotide variant.
Coding change: c.712+8C>T on transcript NM_006005.3 (MANE Select); 8 bases into the intron after coding-DNA position 712, C replaced by T.
Molecular consequence: intron variant.
Genome position (GRCh38, 1-based): chr4:6,292,005, C>T. VCF-style: chr4-6292005-C-T. GRCh37 (hg19) VCF-style: chr4-6293732-C-T.
Other names: c.712+8C>T (NM_001145853.1).
Identifiers: ClinVar variation 698147 (VCV000698147.18), dbSNP rs369185545, ClinGen allele CA2839005.